The following is an entry in ClinVar:

NM_181426.2(CCDC39):c.388G>T (p.Asp130Tyr)

Gene: CCDC39 (coiled-coil domain 39 molecular ruler complex subunit; minus strand). Cytogenetic location: 3q26.33.
Variant type: single nucleotide variant.
Coding change: c.388G>T on transcript NM_181426.2 (MANE Select); coding-DNA position 388, G replaced by T.
Protein change: p.Asp130Tyr; replaces aspartic acid 130 with tyrosine.
Molecular consequence: missense variant.
Genome position (GRCh38, 1-based): chr3:180,660,698, C>A on the plus strand (G>T on the coding strand, the complement: CCDC39 is on the minus strand). VCF-style: chr3-180660698-C-A. GRCh37 (hg19) VCF-style: chr3-180378486-C-A.
Other names: short protein forms D130Y.
Identifiers: ClinVar variation 2202294 (VCV002202294.1), dbSNP rs891215870, ClinGen allele CA355303618.

ClinVar aggregate classification (germline): Uncertain significance (1 of 4 stars; one submission).

Conditions:
Primary ciliary dyskinesia. Also called: Ciliary dyskinesia. Identifiers: Orphanet 244, MedGen C0008780, MONDO:0016575, HP:0012265.

Allele frequency attached by ClinVar (database versions not stated): gnomAD 0.00001.
gnomAD v4.1: 2 of 1,602,554 alleles (0.00012%); highest among the groups gnomAD compares: Admixed American, 0.0034%; no homozygotes.

Submission:

Labcorp Genetics (formerly Invitae), Labcorp
Classification: Uncertain significance for Primary ciliary dyskinesia. Last evaluated: 2022-09-05. Review status: criteria provided, single submitter. Criteria: Invitae Variant Classification Sherloc (09022015). Collection method: clinical testing. Allele origin: germline.
Comment: This sequence change replaces aspartic acid, which is acidic and polar, with tyrosine, which is neutral and polar, at codon 130 of the CCDC39 protein (p.Asp130Tyr). This variant is not present in population databases (gnomAD no frequency). This variant has not been reported in the literature in individuals affected with CCDC39-related conditions. Algorithms developed to predict the effect of missense changes on protein structure and function are either unavailable or do not agree on the potential impact of this missense change (SIFT: "Deleterious"; PolyPhen-2: "Probably Damaging"; Align-GVGD: "Class C0"). In summary, the available evidence is currently insufficient to determine the role of this variant in disease. Therefore, it has been classified as a Variant of Uncertain Significance.